The following is an entry in ClinVar:

NM_020822.3(KCNT1):c.655A>G (p.Thr219Ala)

Gene: KCNT1 (potassium sodium-activated channel subfamily T member 1; plus strand). Cytogenetic location: 9q34.3.
Variant type: single nucleotide variant.
Coding change: c.655A>G on transcript NM_020822.3 (MANE Select); coding-DNA position 655, A replaced by G.
Protein change: p.Thr219Ala; replaces threonine 219 with alanine.
Molecular consequence: missense variant.
Genome position (GRCh38, 1-based): chr9:135,757,210, A>G. VCF-style: chr9-135757210-A-G. GRCh37 (hg19) VCF-style: chr9-138649056-A-G.
Other names: c.511A>G, p.Thr171Ala (NM_001272003.2); short protein forms T171A, T219A.
Identifiers: ClinVar variation 4792439 (VCV004792439.1).

ClinVar aggregate classification (germline): Uncertain significance (1 of 4 stars; one submission).

Conditions:
Autosomal dominant nocturnal frontal lobe epilepsy 5. Also called: CILIARY DYSKINESIA, PRIMARY, 28, WITH SITUS INVERSUS; Epilepsy, nocturnal frontal lobe, 5; CILIARY DYSKINESIA, PRIMARY, 28, WITHOUT SITUS INVERSUS; KCNT1-Related Epilepsy. Identifiers: Orphanet 98784, MedGen C3554306, MONDO:0014002, OMIM 615005.
Developmental and epileptic encephalopathy, 14 (DEE14). Also called: Early infantile epileptic encephalopathy 14. Identifiers: Orphanet 293181, MedGen C3554195, MONDO:0013989, OMIM 614959.

Submission:

Labcorp Genetics (formerly Invitae), Labcorp
Classification: Uncertain significance for Autosomal dominant nocturnal frontal lobe epilepsy 5; Developmental and epileptic encephalopathy, 14. Last evaluated: 2025-03-19. Review status: criteria provided, single submitter. Criteria: Invitae Variant Classification Sherloc (09022015). Collection method: clinical testing. Allele origin: germline.
Comment: This sequence change replaces threonine, which is neutral and polar, with alanine, which is neutral and non-polar, at codon 219 of the KCNT1 protein (p.Thr219Ala). This variant is not present in population databases (gnomAD no frequency). This variant has not been reported in the literature in individuals affected with KCNT1-related conditions. Invitae Evidence Modeling of protein sequence and biophysical properties (such as structural, functional, and spatial information, amino acid conservation, physicochemical variation, residue mobility, and thermodynamic stability) indicates that this missense variant is not expected to disrupt KCNT1 protein function with a negative predictive value of 80%. In summary, the available evidence is currently insufficient to determine the role of this variant in disease. Therefore, it has been classified as a Variant of Uncertain Significance.